The following is an entry in ClinVar:

NM_206937.2(LIG4):c.862T>C (p.Tyr288His)

Gene: LIG4 (DNA ligase 4; minus strand). Cytogenetic location: 13q33.3.
Variant type: single nucleotide variant.
Coding change: c.862T>C on transcript NM_206937.2 (MANE Select); coding-DNA position 862, T replaced by C.
Protein change: p.Tyr288His; replaces tyrosine 288 with histidine.
Molecular consequence: missense variant.
Genome position (GRCh38, 1-based): chr13:108,210,407, A>G on the plus strand (T>C on the coding strand, the complement: LIG4 is on the minus strand). VCF-style: chr13-108210407-A-G. GRCh37 (hg19) VCF-style: chr13-108862755-A-G.
Other names: c.862T>C, p.Tyr288His (NM_001098268.2, NM_001352598.2, NM_001352599.2 and 6 more transcripts); c.661T>C, p.Tyr221His (NM_001330595.2); c.898T>C, p.Tyr300His (NM_001352604.2); short protein forms Y221H, Y288H, Y300H.
Identifiers: ClinVar variation 1010919 (VCV001010919.8), dbSNP rs1878515448, ClinGen allele CA388619593.

ClinVar aggregate classification (germline): Uncertain significance (1 of 4 stars; one submission).

Conditions:
DNA ligase IV deficiency. Identifiers: Orphanet 99812, MedGen C1847827, MONDO:0011686, OMIM 606593.

Submission:

Labcorp Genetics (formerly Invitae), Labcorp
Classification: Uncertain significance for DNA ligase IV deficiency. Last evaluated: 2022-07-05. Review status: criteria provided, single submitter. Criteria: Invitae Variant Classification Sherloc (09022015). Collection method: clinical testing. Allele origin: germline.
Comment: In summary, the available evidence is currently insufficient to determine the role of this variant in disease. Therefore, it has been classified as a Variant of Uncertain Significance. Algorithms developed to predict the effect of missense changes on protein structure and function (SIFT, PolyPhen-2, Align-GVGD) all suggest that this variant is likely to be disruptive. ClinVar contains an entry for this variant (Variation ID: 1010919). This variant has not been reported in the literature in individuals affected with LIG4-related conditions. This variant is not present in population databases (gnomAD no frequency). This sequence change replaces tyrosine, which is neutral and polar, with histidine, which is basic and polar, at codon 288 of the LIG4 protein (p.Tyr288His).